The following is an entry in ClinVar:

ClinVar aggregate classification (germline): Uncertain significance (1 of 4 stars; one submission).

Submission:

Labcorp Genetics (formerly Invitae), Labcorp
Classification: Uncertain significance. Last evaluated: 2024-12-23. Review status: criteria provided, single submitter. Criteria: Invitae Variant Classification Sherloc (09022015). Collection method: clinical testing. Allele origin: germline.
Comment: This sequence change falls in intron 21 of the LRP6 gene. It does not directly change the encoded amino acid sequence of the LRP6 protein. It affects a nucleotide within the consensus splice site. This variant is present in population databases (rs574404576, gnomAD 0.02%). This variant has not been reported in the literature in individuals affected with LRP6-related conditions. Variants that disrupt the consensus splice site are a relatively common cause of aberrant splicing (PMID: 17576681, 9536098). Algorithms developed to predict the effect of sequence changes on RNA splicing suggest that this variant is not likely to affect RNA splicing. In summary, the available evidence is currently insufficient to determine the role of this variant in disease. Therefore, it has been classified as a Variant of Uncertain Significance.

Literature cited by the submitters: PubMed 17576681; PubMed 9536098.

NM_002336.3(LRP6):c.4450-3T>C

Gene: LRP6 (LDL receptor related protein 6; minus strand). Cytogenetic location: 12p13.2.
Variant type: single nucleotide variant.
Coding change: c.4450-3T>C on transcript NM_002336.3 (MANE Select); 3 bases into the intron before coding-DNA position 4450, T replaced by C.
Molecular consequence: intron variant.
Genome position (GRCh38, 1-based): chr12:12,124,665, A>G on the plus strand (T>C on the coding strand, the complement: LRP6 is on the minus strand). VCF-style: chr12-12124665-A-G. GRCh37 (hg19) VCF-style: chr12-12277599-A-G.
Other names: c.4450-3T>C (NM_001414245.1, NM_001414248.1, NM_001414249.1 and 1 more transcripts); c.3997-3T>C (NM_001414253.1, NM_001414252.1, NM_001414254.1); c.4252-3T>C (NM_001414247.1); c.3943-3T>C (NM_001414255.1); c.4087-3T>C (NM_001414251.1); c.4315-3T>C (NM_001414246.1); c.4543-3T>C (NM_001414244.1).
Identifiers: ClinVar variation 3624118 (VCV003624118.2).
Genomic context (GRCh38, chr12:12,124,665, plus strand): 5'-CAAATTCCATAGTGTAATGTGATCGCTCTGTGGCTGGGGATGGTGGAGGGTTCAAAATCT[A>G]AAAGAAAAAAATAATTAAAATATTAAAATAACAACATAGAAACTATCAGACTTTCTTTCA-3'